The following is an entry in ClinVar:

ClinVar aggregate classification (germline): Uncertain significance (1 of 4 stars; one submission).

Conditions:
Kleefstra syndrome 1 (KLEFS1). Identifiers: Orphanet 261494, MedGen C0795833, MONDO:0027407, OMIM 610253.

Allele frequency attached by ClinVar (database versions not stated): gnomAD exomes below 0.00001.
gnomAD v4.1: 1 of 1,614,224 alleles (0.000062%); highest among the groups gnomAD compares: Non-Finnish European, 0.000085%; no homozygotes.

Submission:

Labcorp Genetics (formerly Invitae), Labcorp
Classification: Uncertain significance for Kleefstra syndrome 1. Last evaluated: 2023-02-23. Review status: criteria provided, single submitter. Criteria: Invitae Variant Classification Sherloc (09022015). Collection method: clinical testing. Allele origin: germline.
Comment: This variant is not present in population databases (gnomAD no frequency). In summary, the available evidence is currently insufficient to determine the role of this variant in disease. Therefore, it has been classified as a Variant of Uncertain Significance. Advanced modeling of protein sequence and biophysical properties (such as structural, functional, and spatial information, amino acid conservation, physicochemical variation, residue mobility, and thermodynamic stability) performed at Invitae indicates that this missense variant is not expected to disrupt EHMT1 protein function. This variant has not been reported in the literature in individuals affected with EHMT1-related conditions. This sequence change replaces serine, which is neutral and polar, with asparagine, which is neutral and polar, at codon 545 of the EHMT1 protein (p.Ser545Asn).

NM_024757.5(EHMT1):c.1634G>A (p.Ser545Asn)

Genes: EHMT1 (euchromatic histone lysine methyltransferase 1; plus strand), LOC130003148 (ATAC-STARR-seq lymphoblastoid active region 29369; plus strand). Cytogenetic location: 9q34.3.
Variant type: single nucleotide variant.
Coding change: c.1634G>A on transcript NM_024757.5 (MANE Select); coding-DNA position 1634, G replaced by A.
Protein change: p.Ser545Asn; replaces serine 545 with asparagine.
Molecular consequence: missense variant.
Genome position (GRCh38, 1-based): chr9:137,762,807, G>A. VCF-style: chr9-137762807-G-A. GRCh37 (hg19) VCF-style: chr9-140657259-G-A.
Other names: c.1634G>A, p.Ser545Asn (NM_001145527.2, NM_001354611.2); c.1541G>A, p.Ser514Asn (NM_001354259.2, NM_001354612.2); c.1613G>A, p.Ser538Asn (NM_001354263.2); short protein forms S538N, S514N, S545N.
Identifiers: ClinVar variation 2840286 (VCV002840286.3), dbSNP rs2542013650, ClinGen allele CA375769769.